The following is an entry in ClinVar:

NM_173728.4(ARHGEF15):c.1940G>C (p.Arg647Pro)

Gene: ARHGEF15 (Rho guanine nucleotide exchange factor 15; plus strand). Cytogenetic location: 17p13.1.
Variant type: single nucleotide variant.
Coding change: c.1940G>C on transcript NM_173728.4 (MANE Select); coding-DNA position 1940, G replaced by C.
Protein change: p.Arg647Pro; replaces arginine 647 with proline.
Molecular consequence: missense variant.
Genome position (GRCh38, 1-based): chr17:8,318,817, G>C. VCF-style: chr17-8318817-G-C. GRCh37 (hg19) VCF-style: chr17-8222135-G-C.
Other names: c.1940G>C, p.Arg647Pro (NM_025014.2); short protein forms R647P.
Identifiers: ClinVar variation 2190869 (VCV002190869.4), dbSNP rs777849960, ClinGen allele CA8375357.

ClinVar aggregate classification (germline): Uncertain significance (1 of 4 stars; one submission).

Conditions:
Early-infantile DEE. Also called: Early infantile epileptic encephalopathy with suppression bursts; Early infantile epileptic encephalopathy; Ohtahara syndrome. Identifiers: Orphanet 1934, MedGen C0393706, MONDO:0800491.

Allele frequency attached by ClinVar (database versions not stated): ExAC 0.00001.
gnomAD v4.1: 5 of 1,613,650 alleles (0.00031%); highest among the groups gnomAD compares: South Asian, 0.0011%; no homozygotes.

Submission:

Labcorp Genetics (formerly Invitae), Labcorp
Classification: Uncertain significance for Early-infantile DEE. Last evaluated: 2022-05-11. Review status: criteria provided, single submitter. Criteria: Invitae Variant Classification Sherloc (09022015). Collection method: clinical testing. Allele origin: germline.
Comment: In summary, the available evidence is currently insufficient to determine the role of this variant in disease. Therefore, it has been classified as a Variant of Uncertain Significance. Algorithms developed to predict the effect of missense changes on protein structure and function are either unavailable or do not agree on the potential impact of this missense change (SIFT: "Deleterious"; PolyPhen-2: "Benign"; Align-GVGD: "Class C35"). This variant has not been reported in the literature in individuals affected with ARHGEF15-related conditions. This variant is present in population databases (rs777849960, gnomAD 0.003%). This sequence change replaces arginine, which is basic and polar, with proline, which is neutral and non-polar, at codon 647 of the ARHGEF15 protein (p.Arg647Pro).